The following is an entry in ClinVar:

NM_006277.3(ITSN2):c.195A>G (p.Leu65=)

Gene: ITSN2 (intersectin 2; minus strand). Cytogenetic location: 2p23.3.
Variant type: single nucleotide variant.
Coding change: c.195A>G on transcript NM_006277.3 (MANE Select); coding-DNA position 195, A replaced by G.
Protein change: p.Leu65=; no amino-acid change (leucine 65 retained).
Molecular consequence: synonymous variant.
Genome position (GRCh38, 1-based): chr2:24,312,369, T>C on the plus strand (A>G on the coding strand, the complement: ITSN2 is on the minus strand). VCF-style: chr2-24312369-T-C. GRCh37 (hg19) VCF-style: chr2-24535238-T-C.
Other names: c.153A>G, p.Leu51= (NM_001348181.2, NM_001348184.2); c.195A>G, p.Leu65= (NM_001348182.2, NM_001348183.2, NM_001348185.2 and 3 more transcripts).
Identifiers: ClinVar variation 3030166 (VCV003030166.2), dbSNP rs373623979, ClinGen allele CA1551827.
Genomic context (GRCh38, chr2:24,312,369, plus strand): 5'-GAGTTTCATAGCTATGGAGAACTCTTGCTGATCCATCTTCCCATCCTTGTTTAGGTCTGA[T>C]AAAGCCCTAAAAGGAGCATGAGGTAGGTAGATTGCTATGTGGTGTGGTGGTGGGAAAACT-3'
Protein context (NP_006268.2, residues 55-75): PAPVLAEIWA[Leu65=]SDLNKDGKMD

ClinVar aggregate classification (germline): Likely benign (0 of 4 stars; one submission).

Conditions:
ITSN2-related disorder. Also called: ITSN2-related condition.

Allele frequency attached by ClinVar (database versions not stated): gnomAD 0.00005; TOPMed 0.00006; ExAC 0.00011; ESP Exome Variant Server 0.00015; gnomAD exomes 0.00015.
gnomAD v4.1: 227 of 1,607,984 alleles (0.014%); highest among the groups gnomAD compares: Non-Finnish European, 0.019%; no homozygotes.

Submission:

PreventionGenetics, part of Exact Sciences
Classification: Likely benign for ITSN2-related condition. Last evaluated: 2022-05-19. Review status: no assertion criteria provided. Collection method: clinical testing. Allele origin: germline.
Comment: This variant is classified as likely benign based on ACMG/AMP sequence variant interpretation guidelines (Richards et al. 2015 PMID: 25741868, with internal and published modifications).